The following is an entry in ClinVar:

NM_000428.3(LTBP2):c.4453+4A>G

Gene: LTBP2 (latent transforming growth factor beta binding protein 2; minus strand). Cytogenetic location: 14q24.3.
Variant type: single nucleotide variant.
Coding change: c.4453+4A>G on transcript NM_000428.3 (MANE Select); 4 bases into the intron after coding-DNA position 4453, A replaced by G.
Molecular consequence: intron variant.
Genome position (GRCh38, 1-based): chr14:74,504,774, T>C on the plus strand (A>G on the coding strand, the complement: LTBP2 is on the minus strand). VCF-style: chr14-74504774-T-C. GRCh37 (hg19) VCF-style: chr14-74971477-T-C.
Identifiers: ClinVar variation 1921589 (VCV001921589.4), dbSNP rs374540543, ClinGen allele CA7268759.

ClinVar aggregate classification (germline): Uncertain significance (1 of 4 stars; one submission).

Allele frequency attached by ClinVar (database versions not stated): ExAC 0.00001; gnomAD exomes 0.00001; TOPMed 0.00002; gnomAD 0.00003; ESP Exome Variant Server 0.00008.
gnomAD v4.1: 31 of 1,614,000 alleles (0.0019%); highest among the groups gnomAD compares: East Asian, 0.016%; no homozygotes.

Submission:

Labcorp Genetics (formerly Invitae), Labcorp
Classification: Uncertain significance. Last evaluated: 2024-12-02. Review status: criteria provided, single submitter. Criteria: Invitae Variant Classification Sherloc (09022015). Collection method: clinical testing. Allele origin: germline.
Comment: This sequence change falls in intron 30 of the LTBP2 gene. It does not directly change the encoded amino acid sequence of the LTBP2 protein. It affects a nucleotide within the consensus splice site. This variant is present in population databases (rs374540543, gnomAD 0.01%). This variant has been observed in individual(s) with primary angle closure glaucoma (PMID: 26425313). ClinVar contains an entry for this variant (Variation ID: 1921589). Variants that disrupt the consensus splice site are a relatively common cause of aberrant splicing (PMID: 17576681, 9536098). Algorithms developed to predict the effect of sequence changes on RNA splicing suggest that this variant is not likely to affect RNA splicing. In summary, the available evidence is currently insufficient to determine the role of this variant in disease. Therefore, it has been classified as a Variant of Uncertain Significance.

Literature cited by the submitters: PubMed 26425313; PubMed 17576681; PubMed 9536098.